The following is an entry in ClinVar:

ClinVar aggregate classification (germline): Conflicting classifications of pathogenicity. Review status: criteria provided, conflicting classifications (1 of 4 stars). 3 submissions from 3 submitters: Uncertain significance (2); Likely benign (1). Last evaluated 2026-03-16.

Conditions:
TTN-related disorder. Also called: TTN-related condition; TTN-related disease; TTN-related disorders.
Autosomal recessive limb-girdle muscular dystrophy type 2J (LGMDR10). Also called: Limb-girdle muscular dystrophy, type 2J; MUSCULAR DYSTROPHY, LIMB-GIRDLE, AUTOSOMAL RECESSIVE 10. Identifiers: Orphanet 140922, MedGen C1837342, MONDO:0012127, OMIM 608807.
Dilated cardiomyopathy 1G (CMD1G). Identifiers: Orphanet 154, MedGen C1858763, MONDO:0011400, OMIM 604145.
Cardiovascular phenotype. Identifiers: MedGen CN230736.

Allele frequency attached by ClinVar (database versions not stated): ExAC 0.00002; gnomAD exomes 0.00002; gnomAD 0.00009 and 0.00011; TOPMed 0.00011; ESP Exome Variant Server 0.00025.
gnomAD v4.1: 25 of 1,613,490 alleles (0.0015%); highest among the groups gnomAD compares: African/African-American, 0.033%; no homozygotes.

Submissions (3):

PreventionGenetics, part of Exact Sciences
Classification: Uncertain significance for TTN-related condition. Last evaluated: 2026-03-16. Review status: criteria provided, single submitter. Criteria: ACMG Guidelines, 2015. Collection method: clinical testing. Allele origin: germline.
Comment: The TTN c.12434A>C variant is predicted to result in the amino acid substitution p.Glu4145Ala. To our knowledge, this variant has not been reported in the literature. This variant is reported in 0.041% of alleles in individuals of African descent in gnomAD. At this time, the clinical significance of this variant is uncertain due to the absence of conclusive functional and genetic evidence.

Ambry Genetics
Classification: Likely benign for Cardiovascular phenotype. Last evaluated: 2020-03-24. Review status: criteria provided, single submitter. Criteria: Ambry Variant Classification Scheme 2023. Collection method: clinical testing. Allele origin: germline.

Labcorp Genetics (formerly Invitae), Labcorp
Classification: Uncertain significance for Dilated cardiomyopathy 1G; Autosomal recessive limb-girdle muscular dystrophy type 2J. Last evaluated: 2017-07-03. Review status: criteria provided, single submitter. Criteria: Invitae Variant Classification Sherloc (09022015). Collection method: clinical testing. Allele origin: germline.

NM_001267550.2(TTN):c.12434A>C (p.Glu4145Ala)

Gene: TTN (titin; minus strand). Cytogenetic location: 2q31.2.
Variant type: single nucleotide variant.
Coding change: c.12434A>C on transcript NM_001267550.2 (MANE Select); coding-DNA position 12434, A replaced by C.
Protein change: p.Glu4145Ala; replaces glutamic acid 4145 with alanine.
Molecular consequence: missense variant. On other transcripts: intron variant (1).
Genome position (GRCh38, 1-based): chr2:178,740,799, T>G on the plus strand (A>C on the coding strand, the complement: TTN is on the minus strand). VCF-style: chr2-178740799-T-G. GRCh37 (hg19) VCF-style: chr2-179605526-T-G.
Other names: c.11483A>C, p.Glu3828Ala (NM_001256850.1); c.11345A>C, p.Glu3782Ala (NM_003319.4); c.11720A>C, p.Glu3907Ala (NM_133432.3); c.11921A>C, p.Glu3974Ala (NM_133437.4); c.10361-2439A>C (NM_133378.4); short protein forms E4145A, E3907A, E3782A, E3828A, E3974A.
Identifiers: ClinVar variation 466800 (VCV000466800.6), dbSNP rs372744369, ClinGen allele CA2002711.